The following is an entry in ClinVar:

NM_001042492.3(NF1):c.1527+7A>T

Gene: NF1 (neurofibromin 1; plus strand). Cytogenetic location: 17q11.2.
Variant type: single nucleotide variant.
Coding change: c.1527+7A>T on transcript NM_001042492.3 (MANE Select); 7 bases into the intron after coding-DNA position 1527, A replaced by T.
Molecular consequence: intron variant.
Genome position (GRCh38, 1-based): chr17:31,214,592, A>T. VCF-style: chr17-31214592-A-T. GRCh37 (hg19) VCF-style: chr17-29541610-A-T.
Other names: c.1527+7A>T (NM_000267.4, NM_001128147.3).
Identifiers: ClinVar variation 527608 (VCV000527608.11), dbSNP rs1555612295, ClinGen allele CA658798766.

ClinVar aggregate classification (germline): Likely benign. Review status: criteria provided, multiple submitters, no conflicts (2 of 4 stars). 2 submissions from 2 submitters: Likely benign (2). Last evaluated 2026-05-11.

Conditions:
Neurofibromatosis, type 1 (NF1). Also called: Neurofibromatosis, type I; NEUROFIBROMATOSIS, TYPE I, SOMATIC; Peripheral type neurofibromatosis; VON RECKLINGHAUSEN DISEASE. Identifiers: Orphanet 636, MedGen C0027831, MONDO:0018975, OMIM 162200. Disease mechanism: loss of function.

Allele frequency attached by ClinVar (database versions not stated): TOPMed below 0.00001; gnomAD 0.00001.
gnomAD v4.1: 2 of 1,612,412 alleles (0.00012%); highest among the groups gnomAD compares: Admixed American, 0.0017%; no homozygotes.

Submissions (2):

Myriad Genetics, Inc.
Classification: Likely benign for Neurofibromatosis, type 1. Last evaluated: 2026-05-11. Review status: criteria provided, single submitter. Criteria: Myriad Autosomal Dominant, Autosomal Recessive and X-Linked Classification Criteria (2023). Collection method: clinical testing. Allele origin: unknown.
Comment: This variant is considered likely benign. This variant is intronic and is not expected to impact mRNA splicing.

Labcorp Genetics (formerly Invitae), Labcorp
Classification: Likely benign for Neurofibromatosis, type 1. Last evaluated: 2025-12-15. Review status: criteria provided, single submitter. Criteria: Invitae Variant Classification Sherloc (09022015). Collection method: clinical testing. Allele origin: germline.